The following is an entry in ClinVar:

ClinVar aggregate classification (germline): Uncertain significance. Review status: criteria provided, single submitter (1 of 4 stars). 2 submissions from 2 submitters: Uncertain significance (1). 1 of the submissions does not count toward it. Last evaluated 2022-06-27.

Conditions:
TUB-related disorder. Also called: TUB-related condition.

Allele frequency attached by ClinVar (database versions not stated): gnomAD exomes below 0.00001; gnomAD 0.00001; TOPMed 0.00001.
gnomAD v4.1: 3 of 1,614,092 alleles (0.00019%); highest among the groups gnomAD compares: Non-Finnish European, 0.00025%; no homozygotes.

Submissions (2):

Labcorp Genetics (formerly Invitae), Labcorp
Classification: Uncertain significance. Last evaluated: 2022-06-27. Review status: criteria provided, single submitter. Criteria: Invitae Variant Classification Sherloc (09022015). Collection method: clinical testing. Allele origin: germline.
Comment: In summary, the available evidence is currently insufficient to determine the role of this variant in disease. Therefore, it has been classified as a Variant of Uncertain Significance. Algorithms developed to predict the effect of missense changes on protein structure and function are either unavailable or do not agree on the potential impact of this missense change (SIFT: "Deleterious"; PolyPhen-2: "Benign"; Align-GVGD: "Class C15"). This variant has not been reported in the literature in individuals affected with TUB-related conditions. This variant is present in population databases (no rsID available, gnomAD 0.0009%). This sequence change replaces aspartic acid, which is acidic and polar, with asparagine, which is neutral and polar, at codon 531 of the TUB protein (p.Asp531Asn).

PreventionGenetics, part of Exact Sciences
Classification: Uncertain significance for TUB-related condition. Last evaluated: 2024-09-20. Review status: no assertion criteria provided. Collection method: clinical testing. Allele origin: germline. Not counted in ClinVar's aggregate classification.
Comment: The TUB c.1591G>A variant is predicted to result in the amino acid substitution p.Asp531Asn. This variant was reported to have occurred de novo in an individual with a developmental disorder, although no additional evidence was reported that could help determine the pathogenicity of this variant (in sample DDD4K.01347, Table S2 in Turner et al. 2019. PubMed ID: 31785789). This variant is reported in 0.00088% of alleles in individuals of European (Non-Finnish) descent in gnomAD. At this time, the clinical significance of this variant is uncertain due to the absence of conclusive functional and genetic evidence.

NM_177972.3(TUB):c.1426G>A (p.Asp476Asn)

Genes: RIC3 (RIC3 acetylcholine receptor chaperone; minus strand), TUB (TUB bipartite transcription factor; plus strand). Cytogenetic location: 11p15.4.
Variant type: single nucleotide variant.
Coding change: c.1426G>A on transcript NM_177972.3 (MANE Select); coding-DNA position 1426, G replaced by A.
Protein change: p.Asp476Asn; replaces aspartic acid 476 with asparagine.
Molecular consequence: missense variant.
Genome position (GRCh38, 1-based): chr11:8,101,524, G>A. VCF-style: chr11-8101524-G-A. GRCh37 (hg19) VCF-style: chr11-8123071-G-A.
Other names: c.1591G>A, p.Asp531Asn (NM_003320.5); c.1591G>A (NM_003320.4); short protein forms D476N, D531N.
Identifiers: ClinVar variation 1440115 (VCV001440115.10), dbSNP rs1161666867, ClinGen allele CA379572513.